The following is an entry in ClinVar:

NM_004646.4(NPHS1):c.3325C>T (p.Arg1109Ter)

Gene: NPHS1 (NPHS1 adhesion molecule, nephrin; minus strand). Cytogenetic location: 19q13.12.
Variant type: single nucleotide variant.
Coding change: c.3325C>T on transcript NM_004646.4 (MANE Select); coding-DNA position 3325, C replaced by T.
Protein change: p.Arg1109Ter; replaces arginine 1109 with a stop codon.
Molecular consequence: nonsense.
Genome position (GRCh38, 1-based): chr19:35,831,358, G>A on the plus strand (C>T on the coding strand, the complement: NPHS1 is on the minus strand). VCF-style: chr19-35831358-G-A. GRCh37 (hg19) VCF-style: chr19-36322260-G-A.
Other names: NM_004646.4(NPHS1):c.3325C>T; p.Arg1109Ter; short protein forms R1109*.
Identifiers: ClinVar variation 6867 (VCV000006867.34), dbSNP rs137853042, ClinGen allele CA250034.

ClinVar aggregate classification (germline): Pathogenic. Review status: criteria provided, multiple submitters, no conflicts (2 of 4 stars). 15 submissions from 15 submitters: Pathogenic (12). 3 of the submissions do not count toward it. Last evaluated 2026-03-05.

Conditions:
NPHS1-related disorder. Also called: NPHS1-related condition.
Finnish congenital nephrotic syndrome (NPHS1). Also called: NEPHROTIC SYNDROME, TYPE 1. Identifiers: Orphanet 839, MedGen C0403399, MONDO:0009732, OMIM 256300.

Allele frequency attached by ClinVar (database versions not stated): gnomAD 0.00002; TOPMed 0.00002; gnomAD exomes 0.00016 and 0.00007; ExAC 0.00021.
gnomAD v4.1: 102 of 1,613,818 alleles (0.0063%); highest among the groups gnomAD compares: East Asian, 0.0045%; no homozygotes.

Submissions (15):

Broad Center for Mendelian Genomics, Broad Institute of MIT and Harvard
Classification: Pathogenic for Finnish congenital nephrotic syndrome. Last evaluated: 2026-03-05. Review status: criteria provided, single submitter. Criteria: ACMG Guidelines, 2015. Collection method: research. Allele origin: germline. Inheritance: Autosomal recessive inheritance. Study: GREGoR Consortium.
Comment: The p.Arg1109X variant in NPHS1 has been reported in the homozygous or compound heterozygous state in >10 individuals with nephrotic syndrome (Kestila 1998 PMID: 9660941, Sinha 2020 PMID: 31655822, Zhu 2022 PMID: 35755072). It has also been identified in 0.10% (64/63990) of Finnish chromosomes by gnomAD. However, this frequency is low enough to be consistent with a recessive carrier frequency. This variant has also been reported in ClinVar (Variation ID 6867). This nonsense variant leads to a premature termination codon at position 1109, which is predicted to lead to a truncated or absent protein. Loss of function of the NPHSl gene is an established disease mechanism in autosomal recessive nephrotic syndrome. In summary, this variant meets criteria to be classified as pathogenic for autosomal recessive nephrotic syndrome. ACMG/AMP Criteria applied: PM3_Very strong, PVSl.

Medical and Scientific Branch, Hong Kong Genome Institute
Classification: Pathogenic for Finnish congenital nephrotic syndrome. Last evaluated: 2026-01-26. Review status: criteria provided, single submitter. Criteria: ACMG Guidelines, 2015. Collection method: clinical testing. Allele origin: maternal. Affected: yes.

Labcorp Genetics (formerly Invitae), Labcorp
Classification: Pathogenic. Last evaluated: 2025-12-26. Review status: criteria provided, single submitter. Criteria: Invitae Variant Classification Sherloc (09022015). Collection method: clinical testing. Allele origin: germline.
Comment: This sequence change creates a premature translational stop signal (p.Arg1109*) in the NPHS1 gene. It is expected to result in an absent or disrupted protein product. Loss-of-function variants in NPHS1 are known to be pathogenic (PMID: 11317351, 11854170, 12039988). This variant is present in population databases (rs137853042, gnomAD 0.06%). This premature translational stop signal has been observed in individual(s) with congenital nephrotic syndrome (PMID: 31655822). ClinVar contains an entry for this variant (Variation ID: 6867). For these reasons, this variant has been classified as Pathogenic.

Natera, Inc.
Classification: Pathogenic for Finnish congenital nephrotic syndrome. Last evaluated: 2024-10-16. Review status: criteria provided, single submitter. Criteria: Natera Variant Classification Schema (03/2026). Collection method: clinical testing. Allele origin: germline.
Comment: The c.3325C>T variant in NPHS1 is a nonsense variant predicted to introduce a stop codon at amino acid 1109. This variant is expected to result in nonsense mediated decay, truncation, or a dysfunctional protein product. This variant is rare in the general population with a frequency below the threshold expected for the associated phenotype(s). This variant has been observed in one or more individuals affected with the associated recessive disease, as either homozygous or compound heterozygous with a second variant (PMID: 10972661). Given the available evidence, this variant is classified as Pathogenic.

Blueprint Genetics
Classification: Pathogenic for NPHS1-related disorders. Last evaluated: 2024-08-28. Review status: criteria provided, single submitter. Criteria: ACMG Guidelines, 2015. Collection method: clinical testing. Allele origin: germline. Affected: yes. Observed: 5 variant alleles.

Genomic Medicine Center of Excellence, King Faisal Specialist Hospital and Research Centre
Classification: Pathogenic for Finnish congenital nephrotic syndrome. Last evaluated: 2024-03-25. Review status: criteria provided, single submitter. Criteria: ACMG Guidelines, 2015. Collection method: research. Allele origin: germline.

Laboratory for Molecular Medicine, Mass General Brigham Personalized Medicine
Classification: Pathogenic for Finnish congenital nephrotic syndrome. Last evaluated: 2024-02-16. Review status: criteria provided, single submitter. Criteria: ACMG Guidelines, 2015. Collection method: clinical testing. Allele origin: germline. Inheritance: Autosomal recessive inheritance.
Comment: The p.Arg1109X variant in NPHS1 has been reported in the homozygous or compound heterozygous state in >10 individuals with nephrotic syndrome (Kestilä 1998 PMID: 9660941, Sinha 2020 PMID: 31655822, Zhu 2022 PMID: 35755072). It has also been identified in 0.10% (64/63990) of Finnish chromosomes by gnomAD. However, this frequency is low enough to be consistent with a recessive carrier frequency. This variant has also been reported in ClinVar (Variation ID 6867). This nonsense variant leads to a premature termination codon at position 1109, which is predicted to lead to a truncated or absent protein. Loss of function of the NPHS1 gene is an established disease mechanism in autosomal recessive nephrotic syndrome. In summary, this variant meets criteria to be classified as pathogenic for autosomal recessive nephrotic syndrome. ACMG/AMP Criteria applied: PM3_Very strong, PVS1.

Revvity Omics, Revvity
Classification: Pathogenic for Finnish congenital nephrotic syndrome. Last evaluated: 2021-11-23. Review status: criteria provided, single submitter. Criteria: ACMG Guidelines, 2015. Collection method: clinical testing. Allele origin: germline.

Vasylyeva lab, Texas Tech University Health Sciences Center
Classification: Pathogenic for Finnish congenital nephrotic syndrome. Last evaluated: 2021-11-23. Review status: criteria provided, single submitter. Criteria: ACMG Guidelines, 2015. Collection method: clinical testing. Allele origin: unknown. Affected: yes.

Myriad Genetics, Inc.
Classification: Pathogenic for Finnish congenital nephrotic syndrome. Last evaluated: 2019-12-11. Review status: criteria provided, single submitter. Criteria: Myriad Women's Health Autosomal Recessive and X-Linked Classification Criteria (2019). Collection method: clinical testing. Allele origin: unknown.
Comment: NM_004646.3(NPHS1):c.3325C>T(R1109*, aka Fin minor) is classified as pathogenic in the context of nephrotic syndrome, NPHS1-related. Sources cited for classification include the following: PMID 20507940, 11854170, 10972661, 20172850, 9915943 and 9660941. Classification of NM_004646.3(NPHS1):c.3325C>T(R1109*, aka Fin minor) is based on the following criteria: The variant causes a premature termination codon that is expected to be targeted by nonsense-mediated mRNA decay and is reported in individuals with the relevant phenotype. Please note: this variant was assessed in the context of healthy population screening.

Women's Health and Genetics/Laboratory Corporation of America, LabCorp
Classification: Pathogenic for Finnish congenital nephrotic syndrome. Last evaluated: 2016-10-31. Review status: criteria provided, single submitter. Criteria: LabCorp Variant Classification Summary - May 2015. Collection method: clinical testing. Allele origin: germline.
Comment: Variant summary: The NPHS1 c.3325C>T (p.Arg1109X) variant, also known as Fin-minor, results in a premature termination codon, predicted to cause a truncated or absent NPHS1 protein due to nonsense mediated decay (NMD), which are commonly known mechanisms for disease. This variant was found in 25/121560 control chromosomes at a frequency of 0.0002057, which is lower than the estimated maximal expected allele frequency of a pathogenic NPHS1 variant (0.0033541). This variant is a known pathogenic variant with consistent genotype-phenotype data and the variant is mainly found in Finnish population (Kestila_1998, Lenkkeri_1999, Patrakka_2000, Koziell_2002, Machuca_2010, Sadowski_2015). In vitro functional assay shows that this variant abrogates the binding of the protein to podocin (Huber_2003). Taken together, this variant is classified as Pathogenic.

Juno Genomics, Hangzhou Juno Genomics, Inc
Classification: Pathogenic for Finnish congenital nephrotic syndrome. Review status: criteria provided, single submitter. Criteria: ACMG Guidelines, 2015. Collection method: clinical testing. Allele origin: germline. Affected: yes.
Comment: Absent from controls (or at extremely low frequency if recessive) in Genome Aggregation Database, Exome Sequencing Project, 1000 Genomes Project, or Exome Aggregation Consortium.;Null variant in a gene where loss of function (LOF) is a known mechanism of disease.;For recessive disorders, detected in trans with a pathogenic variant.;Patient's phenotype or family history is highly specific for a disease with a single genetic etiology.

OMIM
Classification: Pathogenic for NEPHROTIC SYNDROME, TYPE 1. Last evaluated: 2002-02-15. Review status: no assertion criteria provided. Collection method: literature only. Allele origin: germline. Not counted in ClinVar's aggregate classification.

Diagnostic Laboratory, Department of Genetics, University Medical Center Groningen
Classification: Pathogenic. Review status: no assertion criteria provided. Collection method: clinical testing. Allele origin: germline. Affected: yes. Study: VKGL Data-share Consensus. Not counted in ClinVar's aggregate classification.

Joint Genome Diagnostic Labs from Nijmegen and Maastricht, Radboudumc and MUMC+
Classification: Pathogenic. Review status: no assertion criteria provided. Collection method: clinical testing. Allele origin: germline. Affected: yes. Study: VKGL Data-share Consensus. Not counted in ClinVar's aggregate classification.

Literature cited by the submitters: PubMed 11317351 (cited by Labcorp Genetics (formerly Invitae), Labcorp); PubMed 11854170 (cited by 3 submitters); PubMed 12039988 (cited by Labcorp Genetics (formerly Invitae), Labcorp); PubMed 31655822 (cited by Labcorp Genetics (formerly Invitae), Labcorp and Laboratory for Molecular Medicine, Mass General Brigham Personalized Medicine); PubMed 10972661 (cited by Natera, Inc. and Myriad Genetics, Inc.); PubMed 9660941 (cited by 3 submitters); PubMed 35755072 (cited by Laboratory for Molecular Medicine, Mass General Brigham Personalized Medicine); PubMed 9915943 (cited by 3 submitters); PubMed 20507940 (cited by 3 submitters); PubMed 20172850 (cited by Myriad Genetics, Inc.).